The following is an entry in ClinVar:

NM_001374259.2(IL12RB2):c.2059C>A (p.Leu687Met)

Gene: IL12RB2 (interleukin 12 receptor subunit beta 2; plus strand). Cytogenetic location: 1p31.3.
Variant type: single nucleotide variant.
Coding change: c.2059C>A on transcript NM_001374259.2 (MANE Select); coding-DNA position 2059, C replaced by A.
Protein change: p.Leu687Met; replaces leucine 687 with methionine.
Molecular consequence: missense variant. On other transcripts: non-coding transcript variant (2).
Genome position (GRCh38, 1-based): chr1:67,395,559, C>A. VCF-style: chr1-67395559-C-A. GRCh37 (hg19) VCF-style: chr1-67861242-C-A.
Other names: c.1959C>A, p.Ser653Arg (NM_001258214.1, NM_001319233.1); c.1801C>A, p.Leu601Met (NM_001258215.1); c.1868C>A, p.Ala623Asp (NM_001258216.1); c.2059C>A, p.Leu687Met (NM_001559.3); short protein forms S653R, L687M, A623D, L601M.
Identifiers: ClinVar variation 4704057 (VCV004704057.1).

ClinVar aggregate classification (germline): Uncertain significance (1 of 4 stars; one submission).

gnomAD v4.1: 4 of 1,614,134 alleles (0.00025%); highest among the groups gnomAD compares: African/African-American, 0.0013%; no homozygotes.

Submission:

Labcorp Genetics (formerly Invitae), Labcorp
Classification: Uncertain significance. Last evaluated: 2025-07-14. Review status: criteria provided, single submitter. Criteria: Invitae Variant Classification Sherloc (09022015). Collection method: clinical testing. Allele origin: germline.
Comment: This sequence change replaces leucine, which is neutral and non-polar, with methionine, which is neutral and non-polar, at codon 687 of the IL12RB2 protein (p.Leu687Met). This variant is present in population databases (rs142761711, gnomAD 0.0009%). This variant has not been reported in the literature in individuals affected with IL12RB2-related conditions. An algorithm developed to predict the effect of missense changes on protein structure and function (PolyPhen-2) suggests that this variant is likely to be disruptive. In summary, the available evidence is currently insufficient to determine the role of this variant in disease. Therefore, it has been classified as a Variant of Uncertain Significance.